The following is an entry in ClinVar:

ClinVar aggregate classification (germline): Uncertain significance (1 of 4 stars; one submission).

Allele frequency attached by ClinVar (database versions not stated): TOPMed below 0.00001; gnomAD exomes 0.00001.
gnomAD v4.1: 9 of 1,614,146 alleles (0.00056%); highest among the groups gnomAD compares: Non-Finnish European, 0.00076%; no homozygotes.

Submission:

Labcorp Genetics (formerly Invitae), Labcorp
Classification: Uncertain significance. Last evaluated: 2022-05-17. Review status: criteria provided, single submitter. Criteria: Invitae Variant Classification Sherloc (09022015). Collection method: clinical testing. Allele origin: germline.
Comment: This variant has not been reported in the literature in individuals affected with KIF23-related conditions. Algorithms developed to predict the effect of missense changes on protein structure and function (SIFT, PolyPhen-2, Align-GVGD) all suggest that this variant is likely to be tolerated. In summary, the available evidence is currently insufficient to determine the role of this variant in disease. Therefore, it has been classified as a Variant of Uncertain Significance. This variant is not present in population databases (gnomAD no frequency). This sequence change replaces isoleucine, which is neutral and non-polar, with valine, which is neutral and non-polar, at codon 289 of the KIF23 protein (p.Ile289Val).

NM_001367805.3(KIF23):c.907A>G (p.Ile303Val)

Gene: KIF23 (kinesin family member 23; plus strand). Cytogenetic location: 15q23.
Variant type: single nucleotide variant.
Coding change: c.907A>G on transcript NM_001367805.3 (MANE Select); coding-DNA position 907, A replaced by G.
Protein change: p.Ile303Val; replaces isoleucine 303 with valine.
Molecular consequence: missense variant. On other transcripts: non-coding transcript variant (2).
Genome position (GRCh38, 1-based): chr15:69,426,353, A>G. VCF-style: chr15-69426353-A-G. GRCh37 (hg19) VCF-style: chr15-69718692-A-G.
Other names: c.535A>G, p.Ile179Val (NM_001281301.2); c.865A>G, p.Ile289Val (NM_001367804.2, NM_004856.7, NM_138555.4); short protein forms I289V, I179V, I303V.
Identifiers: ClinVar variation 1964755 (VCV001964755.5), dbSNP rs2057191073, ClinGen allele CA393004826.